The following is an entry in ClinVar:

NM_017813.5(BPNT2):c.787A>G (p.Ile263Val)

Gene: BPNT2 (3'(2'), 5'-bisphosphate nucleotidase 2; minus strand). Cytogenetic location: 8q12.1.
Variant type: single nucleotide variant.
Coding change: c.787A>G on transcript NM_017813.5 (MANE Select); coding-DNA position 787, A replaced by G.
Protein change: p.Ile263Val; replaces isoleucine 263 with valine.
Molecular consequence: missense variant.
Genome position (GRCh38, 1-based): chr8:56,966,212, T>C on the plus strand (A>G on the coding strand, the complement: BPNT2 is on the minus strand). VCF-style: chr8-56966212-T-C. GRCh37 (hg19) VCF-style: chr8-57878771-T-C.
Other names: c.787A>G (NM_017813.3); short protein forms I263V.
Identifiers: ClinVar variation 2892965 (VCV002892965.3), dbSNP rs745323535, ClinGen allele CA4755814.

ClinVar aggregate classification (germline): Uncertain significance. Review status: criteria provided, multiple submitters, no conflicts (2 of 4 stars). 2 submissions from 2 submitters: Uncertain significance (2). Last evaluated 2024-09-30.

Allele frequency attached by ClinVar (database versions not stated): TOPMed 0.00002; ExAC 0.00003; gnomAD exomes 0.00003; gnomAD 0.00004.
gnomAD v4.1: 48 of 1,614,062 alleles (0.003%); highest among the groups gnomAD compares: East Asian, 0.0089%; no homozygotes.

Submissions (2):

Ambry Genetics
Classification: Uncertain significance. Last evaluated: 2024-09-30. Review status: criteria provided, single submitter. Criteria: Ambry Variant Classification Scheme 2023. Collection method: clinical testing. Allele origin: germline.

Labcorp Genetics (formerly Invitae), Labcorp
Classification: Uncertain significance. Last evaluated: 2023-12-26. Review status: criteria provided, single submitter. Criteria: Invitae Variant Classification Sherloc (09022015). Collection method: clinical testing. Allele origin: germline.
Comment: This sequence change replaces isoleucine, which is neutral and non-polar, with valine, which is neutral and non-polar, at codon 263 of the IMPAD1 protein (p.Ile263Val). This variant is present in population databases (rs745323535, gnomAD 0.008%). This variant has not been reported in the literature in individuals affected with IMPAD1-related conditions. An algorithm developed to predict the effect of missense changes on protein structure and function (PolyPhen-2) suggests that this variant¬¨‚Ä†is likely to be tolerated. In summary, the available evidence is currently insufficient to determine the role of this variant in disease. Therefore, it has been classified as a Variant of Uncertain Significance.